The following is an entry in ClinVar:

NM_005859.5(PURA):c.363C>G (p.Tyr121Ter)

Gene: PURA (purine rich element binding protein A; plus strand). Cytogenetic location: 5q31.3.
Variant type: single nucleotide variant.
Coding change: c.363C>G on transcript NM_005859.5 (MANE Select); coding-DNA position 363, C replaced by G.
Protein change: p.Tyr121Ter; replaces tyrosine 121 with a stop codon.
Molecular consequence: nonsense.
Genome position (GRCh38, 1-based): chr5:140,114,544, C>G. VCF-style: chr5-140114544-C-G. GRCh37 (hg19) VCF-style: chr5-139494129-C-G.
Other names: short protein forms Y121*.
Identifiers: ClinVar variation 156408 (VCV000156408.29), dbSNP rs587782996, ClinGen allele CA249896.

ClinVar aggregate classification (germline): Pathogenic/Likely pathogenic. Review status: criteria provided, multiple submitters, no conflicts (2 of 4 stars). 6 submissions from 6 submitters: Pathogenic (3); Likely pathogenic (1). 2 of the submissions do not count toward it. Last evaluated 2025-03-14.

Conditions:
PURA-related disorder. Also called: PURA-related condition.
PURA-related severe neonatal hypotonia-seizures-encephalopathy syndrome (NEDRIHF). Also called: NEURODEVELOPMENTAL DISORDER WITH NEONATAL RESPIRATORY INSUFFICIENCY, HYPOTONIA, AND FEEDING DIFFICULTIES; PURA-Related Neurodevelopmental Disorders. Identifiers: Orphanet 438213, Orphanet 438216, MedGen C4015357, MONDO:1060108, OMIM 616158, MONDO:0018580.
Abnormality of the nervous system. Also called: Congenital nervous system disorder. Identifiers: MedGen C0497552, MONDO:0002320, HP:0000707.
Intellectual disability. Also called: Intellectual functioning disability; intellectual disabilities; Intellectual developmental disorder. Identifiers: MedGen C3714756, MeSH D008607, MONDO:0001071, HP:0001249.
Delayed speech and language development. Also called: Language delay. Identifiers: MedGen C0454644, HP:0000750.
Global developmental delay (DD). Also called: Cognitive delay. Identifiers: MedGen C0557874, HP:0001263. Disease mechanism: loss of function.
Neonatal hypotonia. Identifiers: MedGen C2267233, HP:0001319.
Seizure. Also called: Seizures. Identifiers: MedGen C0036572, HP:0001250.

Submissions (6):

3billion
Classification: Pathogenic for PURA-related severe neonatal hypotonia-seizures-encephalopathy syndrome. Last evaluated: 2025-03-14. Review status: criteria provided, single submitter. Criteria: ACMG Guidelines, 2015. Collection method: clinical testing. Allele origin: germline. Affected: yes.
Comment: The variant is not observed in the gnomAD v4.1.0 dataset. Predicted Consequence/Location: Stop-gained (nonsense): predicted to result in a loss or disruption of normal protein function through protein truncation. The predicted truncated protein may be shortened by more than 10%. The variant has been previously reported as de novo in a similarly affected individual (PMID: 28973083). The variant has been previously reported as assumed (i.e. paternity and maternity not confirmed) de novo in at least one similarly affected unrelated individual (PMID: 25439098). The variant has been reported at least twice as pathogenic without evidence for the classification (ClinVar ID: VCV000156408 / PMID: 25439098).Therefore, this variant is classified as Pathogenic according to the recommendation of ACMG/AMP guideline.

Blueprint Genetics
Classification: Pathogenic for PURA-related disorders. Last evaluated: 2024-03-01. Review status: criteria provided, single submitter. Criteria: ACMG Guidelines, 2015. Collection method: clinical testing. Allele origin: germline. Affected: yes. Observed: 1 variant allele.

GeneDx
Classification: Pathogenic. Last evaluated: 2022-05-20. Review status: criteria provided, single submitter. Criteria: GeneDx Variant Classification Process June 2021. Collection method: clinical testing. Allele origin: germline. Affected: yes.
Comment: Nonsense variant in the C-terminus predicted to result in protein truncation, as the last 202 amino acids are lost, and other loss-of-function variants have been reported downstream in HGMD; Not observed at significant frequency in large population cohorts (gnomAD); This variant is associated with the following publications: (PMID: 33633953, 28973083, 25439098, 27148565)

Kariminejad - Najmabadi Pathology & Genetics Center
Classification: Likely pathogenic for Abnormality of the nervous system. Last evaluated: 2021-07-10. Review status: criteria provided, single submitter. Criteria: ACMG Guidelines, 2015. Collection method: clinical testing. Allele origin: de novo. Affected: yes.

PreventionGenetics, part of Exact Sciences
Classification: Pathogenic for PURA-related condition. Last evaluated: 2023-12-21. Review status: no assertion criteria provided. Collection method: clinical testing. Allele origin: germline. Not counted in ClinVar's aggregate classification.
Comment: The PURA c.363C>G variant is predicted to result in premature protein termination (p.Tyr121*). This variant has been reported as de novo in at least two individuals with hypotonia, seizures and encephalopathy (Lalani et al. 2014. PubMed ID: 25439098; Meng et al. 2017. PubMed ID: 28973083, supplementary data). This variant has not been reported in a large population database, indicating this variant is rare. Nonsense variants in PURA are expected to be pathogenic. This variant is interpreted as pathogenic.

Whole genome laboratory; Baylor College of Medicine
Classification: Pathogenic for Neonatal hypotonia; Delayed speech and language development; Intellectual disability; Global developmental delay; Seizures. Last evaluated: 2014-09-15. Review status: no assertion criteria provided. Collection method: clinical testing. Allele origin: germline. Affected: yes. Observed: 1 variant allele. Study: Clinical exome sequencing test. Not counted in ClinVar's aggregate classification.
Comment: Sporadic neonatal hypotonia, developmental delay, speech impairment, sleep apnea, and intellectual disability

Literature cited by the submitters: PubMed 25439098 (cited by 3billion); PubMed 28973083 (cited by 3billion).